The following is an entry in ClinVar:

ClinVar aggregate classification (germline): Uncertain significance (1 of 4 stars; one submission).

Submission:

Labcorp Genetics (formerly Invitae), Labcorp
Classification: Uncertain significance. Last evaluated: 2024-04-30. Review status: criteria provided, single submitter. Criteria: Invitae Variant Classification Sherloc (09022015). Collection method: clinical testing. Allele origin: germline.
Comment: This sequence change falls in intron 13 of the POLE gene. It does not directly change the encoded amino acid sequence of the POLE protein. RNA analysis indicates that this variant induces altered splicing and may result in an absent or disrupted protein product. This variant is not present in population databases (gnomAD no frequency). This variant has not been reported in the literature in individuals affected with POLE-related conditions. Studies have shown that this variant results in activation of a cryptic splice site and introduces a premature termination codon (Invitae). The resulting mRNA is expected to undergo nonsense-mediated decay. In summary, the available evidence is currently insufficient to determine the role of this variant in disease. Therefore, it has been classified as a Variant of Uncertain Significance.

NM_006231.4(POLE):c.1359+10C>T

Gene: POLE (DNA polymerase epsilon, catalytic subunit; minus strand). Cytogenetic location: 12q24.33.
Variant type: single nucleotide variant.
Coding change: c.1359+10C>T on transcript NM_006231.4 (MANE Select); 10 bases into the intron after coding-DNA position 1359, C replaced by T.
Molecular consequence: intron variant.
Genome position (GRCh38, 1-based): chr12:132,673,565, G>A on the plus strand (C>T on the coding strand, the complement: POLE is on the minus strand). VCF-style: chr12-132673565-G-A. GRCh37 (hg19) VCF-style: chr12-133250151-G-A.
Identifiers: ClinVar variation 3624062 (VCV003624062.2).
Genomic context (GRCh38, chr12:132,673,565, plus strand): 5'-TGGGGCTGCTCCGTGGCCATCTGGATGCGTGCACACGGCAGCAGGGGCAGCCGGGATGTG[G>A]CTTACGTGCCTGGGGCTGCTCCGTGGCCATCCGGCACATGTCCTCCGGGTCTAGCTCCAC-3'